The following is an entry in ClinVar:

NM_001376.5(DYNC1H1):c.2071A>C (p.Met691Leu)

Gene: DYNC1H1 (dynein cytoplasmic 1 heavy chain 1; plus strand). Cytogenetic location: 14q32.31.
Variant type: single nucleotide variant.
Coding change: c.2071A>C on transcript NM_001376.5 (MANE Select); coding-DNA position 2071, A replaced by C.
Protein change: p.Met691Leu; replaces methionine 691 with leucine.
Molecular consequence: missense variant.
Genome position (GRCh38, 1-based): chr14:101,986,296, A>C. VCF-style: chr14-101986296-A-C. GRCh37 (hg19) VCF-style: chr14-102452633-A-C.
Other names: short protein forms M691L.
Identifiers: ClinVar variation 312622 (VCV000312622.8), dbSNP rs745510694, ClinGen allele CA7351766.

ClinVar aggregate classification (germline): Benign/Likely benign. Review status: criteria provided, multiple submitters, no conflicts (2 of 4 stars). 3 submissions from 2 submitters: Benign (1); Likely benign (2). Last evaluated 2023-04-15.

Conditions:
Charcot-Marie-Tooth disease axonal type 2O. Also called: Charcot-Marie-Tooth disease, axonal, type 20; CHARCOT-MARIE-TOOTH NEUROPATHY, AXONAL, TYPE 2O; CHARCOT-MARIE-TOOTH DISEASE, AXONAL, AUTOSOMAL DOMINANT, TYPE 2O; Charcot-Marie-Tooth Neuropathy Type 2O. Identifiers: Orphanet 284232, MedGen C3280220, MONDO:0013644, OMIM 614228.
Autosomal dominant cerebellar ataxia. Also called: Spinocerebellar Ataxia, Dominant. Identifiers: Orphanet 99, MedGen C4087347, MONDO:0020380.

Allele frequency attached by ClinVar (database versions not stated): TOPMed 0.00001; ExAC 0.00002; gnomAD exomes 0.00002.
gnomAD v4.1: 20 of 1,614,008 alleles (0.0012%); highest among the groups gnomAD compares: East Asian, 0.045%; no homozygotes.

Submissions (3):

Labcorp Genetics (formerly Invitae), Labcorp
Classification: Benign for Charcot-Marie-Tooth disease axonal type 2O. Last evaluated: 2023-04-15. Review status: criteria provided, single submitter. Criteria: Invitae Variant Classification Sherloc (09022015). Collection method: clinical testing. Allele origin: germline.

Illumina Laboratory Services, Illumina
Classification: Likely benign for Spinocerebellar Ataxia, Dominant. Last evaluated: 2018-01-12. Review status: criteria provided, single submitter. Criteria: ICSL Variant Classification Criteria 13 December 2019. Collection method: clinical testing. Allele origin: germline.
Comment: This variant was observed in the ICSL laboratory as part of a predisposition screen in an ostensibly healthy population. It had not been previously curated by ICSL or reported in the Human Gene Mutation Database (HGMD: prior to June 1st, 2018), and was therefore a candidate for classification through an automated scoring system. Utilizing variant allele frequency, disease prevalence and penetrance estimates, and inheritance mode, an automated score was calculated to assess if this variant is too frequent to cause the disease. Based on the score and internal cut-off values, a variant classified as likely benign is not then subjected to further curation. The score for this variant resulted in a classification of likely benign for this disease.

Illumina Laboratory Services, Illumina
Classification: Likely benign for Charcot-Marie-Tooth disease axonal type 2O. Last evaluated: 2018-01-12. Review status: criteria provided, single submitter. Criteria: ICSL Variant Classification Criteria 13 December 2019. Collection method: clinical testing. Allele origin: germline.
Comment: the same text as in the submission from Illumina Laboratory Services, Illumina above.